The following is an entry in ClinVar:

NM_004863.4(SPTLC2):c.227T>G (p.Val76Gly)

Gene: SPTLC2 (serine palmitoyltransferase long chain base subunit 2; minus strand). Cytogenetic location: 14q24.3.
Variant type: single nucleotide variant.
Coding change: c.227T>G on transcript NM_004863.4 (MANE Select); coding-DNA position 227, T replaced by G.
Protein change: p.Val76Gly; replaces valine 76 with glycine.
Molecular consequence: missense variant.
Genome position (GRCh38, 1-based): chr14:77,597,286, A>C on the plus strand (T>G on the coding strand, the complement: SPTLC2 is on the minus strand). VCF-style: chr14-77597286-A-C. GRCh37 (hg19) VCF-style: chr14-78063629-A-C.
Other names: short protein forms V76G.
Identifiers: ClinVar variation 3707988 (VCV003707988.2).
Genomic context (GRCh38, chr14:77,597,286, plus strand): 5'-ATTCTCCAATACCTCAAGAAATCTCGAAGATATCCAAAGAGGGTGAGTACGCCATACCCC[A>C]CATACGTGAGCACAGCAACCAGCATTGGTGTTTCTTCAAAAGCTTCATTAAACGGTCTTT-3'
Protein context (NP_004854.1, residues 66-86): TPMLVAVLTY[Val76Gly]GYGVLTLFGY

ClinVar aggregate classification (germline): Uncertain significance (1 of 4 stars; one submission).

Conditions:
Neuropathy, hereditary sensory and autonomic, type 1C. Also called: HSAN IC; HSN IC. Identifiers: Orphanet 36386, MedGen C3150896, MONDO:0013337, OMIM 613640.

gnomAD v4.1: 2 of 1,614,190 alleles (0.00012%); highest among the groups gnomAD compares: African/African-American, 0.0013%; no homozygotes.

Submission:

Labcorp Genetics (formerly Invitae), Labcorp
Classification: Uncertain significance for Neuropathy, hereditary sensory and autonomic, type 1C. Last evaluated: 2024-09-06. Review status: criteria provided, single submitter. Criteria: Invitae Variant Classification Sherloc (09022015). Collection method: clinical testing. Allele origin: germline.
Comment: This sequence change replaces valine, which is neutral and non-polar, with glycine, which is neutral and non-polar, at codon 76 of the SPTLC2 protein (p.Val76Gly). This variant is not present in population databases (gnomAD no frequency). This variant has not been reported in the literature in individuals affected with SPTLC2-related conditions. An algorithm developed to predict the effect of missense changes on protein structure and function (PolyPhen-2) suggests that this variant is likely to be tolerated. In summary, the available evidence is currently insufficient to determine the role of this variant in disease. Therefore, it has been classified as a Variant of Uncertain Significance.